The following is an entry in ClinVar:

ClinVar aggregate classification (germline): Uncertain significance (1 of 4 stars; one submission).

Submission:

Labcorp Genetics (formerly Invitae), Labcorp
Classification: Uncertain significance. Last evaluated: 2025-10-10. Review status: criteria provided, single submitter. Criteria: Invitae Variant Classification Sherloc (09022015). Collection method: clinical testing. Allele origin: germline.
Comment: This sequence change replaces leucine, which is neutral and non-polar, with arginine, which is basic and polar, at codon 23 of the GATA5 protein (p.Leu23Arg). This variant is not present in population databases (gnomAD no frequency). This variant has not been reported in the literature in individuals affected with GATA5-related conditions. An algorithm developed to predict the effect of missense changes on protein structure and function (PolyPhen-2) suggests that this variant is likely to be disruptive. In summary, the available evidence is currently insufficient to determine the role of this variant in disease. Therefore, it has been classified as a Variant of Uncertain Significance.

NM_080473.5(GATA5):c.68T>G (p.Leu23Arg)

Gene: GATA5 (GATA binding protein 5; minus strand). Cytogenetic location: 20q13.33.
Variant type: single nucleotide variant.
Coding change: c.68T>G on transcript NM_080473.5 (MANE Select); coding-DNA position 68, T replaced by G.
Protein change: p.Leu23Arg; replaces leucine 23 with arginine.
Molecular consequence: missense variant.
Genome position (GRCh38, 1-based): chr20:62,475,454, A>C on the plus strand (T>G on the coding strand, the complement: GATA5 is on the minus strand). VCF-style: chr20-62475454-A-C. GRCh37 (hg19) VCF-style: chr20-61050510-A-C.
Other names: short protein forms L23R.
Identifiers: ClinVar variation 4777141 (VCV004777141.1).
Genomic context (GRCh38, chr20:62,475,454, plus strand): 5'-AGCATCGAGGGGACGCGCGCCGGCGGCACAAACATCGGAGAGCCGGCGCCCGGAGCGTGC[A>C]GGAAGGAGCCCGAGTCGGCGTAGGCGGCCTGGCGGGGGCTCGCGGCCAGCGCCAGGCTCT-3'
Protein context (NP_536721.1, residues 13-33): QAAYADSGSF[Leu23Arg]HAPGAGSPMF